The following is an entry in ClinVar:

ClinVar aggregate classification (germline): Likely pathogenic (1 of 4 stars; one submission).

Conditions:
Very long chain acyl-CoA dehydrogenase deficiency (ACADVLD). Also called: Very Long-Chain Acyl-Coenzyme A Dehydrogenase Deficiency; VLCAD Deficiency. Identifiers: Orphanet 26793, MedGen C3887523, MONDO:0008723, OMIM 201475.

Submission:

Labcorp Genetics (formerly Invitae), Labcorp
Classification: Likely pathogenic for Very long chain acyl-CoA dehydrogenase deficiency. Last evaluated: 2024-09-04. Review status: criteria provided, single submitter. Criteria: Invitae Variant Classification Sherloc (09022015). Collection method: clinical testing. Allele origin: germline.
Comment: This sequence change replaces alanine, which is neutral and non-polar, with aspartic acid, which is acidic and polar, at codon 212 of the ACADVL protein (p.Ala212Asp). This variant is not present in population databases (gnomAD no frequency). This variant has not been reported in the literature in individuals affected with ACADVL-related conditions. Invitae Evidence Modeling of protein sequence and biophysical properties (such as structural, functional, and spatial information, amino acid conservation, physicochemical variation, residue mobility, and thermodynamic stability) indicates that this missense variant is expected to disrupt ACADVL protein function with a positive predictive value of 95%. This variant disrupts the p.Ala212 amino acid residue in ACADVL. Other variant(s) that disrupt this residue have been determined to be pathogenic (internal data). This suggests that this residue is clinically significant, and that variants that disrupt this residue are likely to be disease-causing. In summary, the currently available evidence indicates that the variant is pathogenic, but additional data are needed to prove that conclusively. Therefore, this variant has been classified as Likely Pathogenic.

NM_000018.4(ACADVL):c.635C>A (p.Ala212Asp)

Gene: ACADVL (acyl-CoA dehydrogenase very long chain; plus strand). Cytogenetic location: 17p13.1.
Variant type: single nucleotide variant.
Coding change: c.635C>A on transcript NM_000018.4 (MANE Select); coding-DNA position 635, C replaced by A.
Protein change: p.Ala212Asp; replaces alanine 212 with aspartic acid.
Molecular consequence: missense variant.
Genome position (GRCh38, 1-based): chr17:7,221,964, C>A. VCF-style: chr17-7221964-C-A. GRCh37 (hg19) VCF-style: chr17-7125283-C-A.
Other names: c.569C>A, p.Ala190Asp (NM_001033859.3); c.704C>A, p.Ala235Asp (NM_001270447.2); c.407C>A, p.Ala136Asp (NM_001270448.2); short protein forms A190D, A212D, A136D, A235D.
Identifiers: ClinVar variation 3664515 (VCV003664515.2).